The following is an entry in ClinVar:

ClinVar aggregate classification (germline): Uncertain significance (1 of 4 stars; one submission).

Conditions:
Werner syndrome (WRN). Identifiers: Orphanet 902, MedGen C0043119, MONDO:0010196, OMIM 277700.

Allele frequency attached by ClinVar (database versions not stated): gnomAD exomes below 0.00001.
gnomAD v4.1: 1 of 1,614,042 alleles (0.000062%); highest among the groups gnomAD compares: Non-Finnish European, 0.000085%; no homozygotes.

Submission:

Labcorp Genetics (formerly Invitae), Labcorp
Classification: Uncertain significance for Werner syndrome. Last evaluated: 2023-07-07. Review status: criteria provided, single submitter. Criteria: Invitae Variant Classification Sherloc (09022015). Collection method: clinical testing. Allele origin: germline.
Comment: In summary, the available evidence is currently insufficient to determine the role of this variant in disease. Therefore, it has been classified as a Variant of Uncertain Significance. Studies have shown that this missense change is associated with altered splicing resulting in unknown protein product impact (Invitae). Algorithms developed to predict the effect of missense changes on protein structure and function output the following: SIFT: "Not Available"; PolyPhen-2: "Benign"; Align-GVGD: "Not Available". The isoleucine amino acid residue is found in multiple mammalian species, which suggests that this missense change does not adversely affect protein function. This variant has not been reported in the literature in individuals affected with WRN-related conditions. This variant is not present in population databases (gnomAD no frequency). This sequence change replaces methionine, which is neutral and non-polar, with isoleucine, which is neutral and non-polar, at codon 83 of the WRN protein (p.Met83Ile).

NM_000553.6(WRN):c.249G>A (p.Met83Ile)

Gene: WRN (WRN RecQ like helicase; plus strand). Cytogenetic location: 8p12.
Variant type: single nucleotide variant.
Coding change: c.249G>A on transcript NM_000553.6 (MANE Select); coding-DNA position 249, G replaced by A.
Protein change: p.Met83Ile; replaces methionine 83 with isoleucine.
Molecular consequence: missense variant.
Genome position (GRCh38, 1-based): chr8:31,064,328, G>A. VCF-style: chr8-31064328-G-A. GRCh37 (hg19) VCF-style: chr8-30921844-G-A.
Other names: short protein forms M83I.
Identifiers: ClinVar variation 2992110 (VCV002992110.3), dbSNP rs2535880783, ClinGen allele CA370914002.